The following is an entry in ClinVar:

ClinVar aggregate classification (germline): Uncertain significance. Review status: criteria provided, multiple submitters, no conflicts (2 of 4 stars). 3 submissions from 3 submitters: Uncertain significance (3). Last evaluated 2026-01-26.

Conditions:
Dyskeratosis congenita, autosomal dominant 2. Identifiers: MedGen C3151443, MONDO:0013521, OMIM 613989.
Idiopathic Pulmonary Fibrosis. Also called: Idiopathic fibrosing alveolitis, chronic form; idiopathic fibrosing alveolitis. Identifiers: Orphanet 2032, MedGen C1800706, MeSH D054990, MONDO:0800504.
Dyskeratosis congenita. Identifiers: Orphanet 1775, MedGen C0265965, MONDO:0015780.

Allele frequency attached by ClinVar (database versions not stated): ExAC 0.00001; gnomAD 0.00001; TOPMed 0.00001; ESP Exome Variant Server 0.00008.
gnomAD v4.1: 10 of 1,613,504 alleles (0.00062%); highest among the groups gnomAD compares: Non-Finnish European, 0.00085%; no homozygotes.

Submissions (3):

Labcorp Genetics (formerly Invitae), Labcorp
Classification: Uncertain significance for Dyskeratosis congenita, autosomal dominant 2; Idiopathic Pulmonary Fibrosis. Last evaluated: 2026-01-26. Review status: criteria provided, single submitter. Criteria: Invitae Variant Classification Sherloc (09022015). Collection method: clinical testing. Allele origin: germline.
Comment: This sequence change falls in intron 14 of the TERT gene. It does not directly change the encoded amino acid sequence of the TERT protein. It affects a nucleotide within the consensus splice site. This variant is not present in population databases (gnomAD no frequency). This variant has not been reported in the literature in individuals affected with TERT-related conditions. ClinVar contains an entry for this variant (Variation ID: 857286). Variants that disrupt the consensus splice site are a relatively common cause of aberrant splicing (PMID: 17576681, 9536098). Algorithms developed to predict the effect of sequence changes on RNA splicing suggest that this variant is not likely to affect RNA splicing. In summary, the available evidence is currently insufficient to determine the role of this variant in disease. Therefore, it has been classified as a Variant of Uncertain Significance.

Ambry Genetics
Classification: Uncertain significance for Dyskeratosis congenita. Last evaluated: 2025-07-30. Review status: criteria provided, single submitter. Criteria: Ambry Variant Classification Scheme 2023. Collection method: clinical testing. Allele origin: germline.
Comment: The c.3157+3A>T intronic variant results from an A to T substitution 3 nucleotides after coding exon 14 in the TERT gene. This nucleotide position is poorly conserved in available vertebrate species. In silico splice site analysis predicts that this alteration may result in the creation or strengthening of a novel splice donor site. Based on the available evidence, the clinical significance of this variant remains unclear.

Sema4
Classification: Uncertain significance for Dyskeratosis congenita. Last evaluated: 2022-03-18. Review status: criteria provided, single submitter. Criteria: Sema4 Curation Guidelines. Collection method: curation. Allele origin: germline.
Comment: The TERT c.3157+3A>T variant has not been reported in the literature to our knowledge. It was not observed in the large and broad cohorts of the Genome Aggregation Database (PMID: 32461654). This variant has been reported in ClinVar (Variation ID 857286). Predictions by in silico tools on the impact of this variant on splicing are inconclusive, and no functional studies have been published. The evidence is insufficient to meet ACMG/AMP criteria for classifying the variant as benign or pathogenic. Thus, the clinical significance of this variant is currently uncertain.

Literature cited by the submitters: PubMed 17576681 (cited by Labcorp Genetics (formerly Invitae), Labcorp); PubMed 9536098 (cited by Labcorp Genetics (formerly Invitae), Labcorp).

NM_198253.3(TERT):c.3157+3A>T

Gene: TERT (telomerase reverse transcriptase; minus strand). Cytogenetic location: 5p15.33.
Variant type: single nucleotide variant.
Coding change: c.3157+3A>T on transcript NM_198253.3 (MANE Select); 3 bases into the intron after coding-DNA position 3157, A replaced by T.
Molecular consequence: intron variant.
Genome position (GRCh38, 1-based): chr5:1,255,284, T>A on the plus strand (A>T on the coding strand, the complement: TERT is on the minus strand). VCF-style: chr5-1255284-T-A. GRCh37 (hg19) VCF-style: chr5-1255399-T-A.
Other names: c.2968+3A>T (NM_001193376.3).
Identifiers: ClinVar variation 857286 (VCV000857286.9), dbSNP rs369807900, ClinGen allele CA3184273.